The following is an entry in ClinVar:

ClinVar aggregate classification (germline): Uncertain significance (1 of 4 stars; one submission).

Conditions:
Neuronopathy, distal hereditary motor, type 7A. Also called: Neuronopathy, distal hereditary motor, autosomal dominant 7; SPINAL MUSCULAR ATROPHY, DISTAL, WITH VOCAL CORD PARALYSIS; Neuronopathy, distal hereditary motor, type viia; NEURONOPATHY, DISTAL HEREDITARY MOTOR, HARDING TYPE VIIA; NEUROPATHY, DISTAL HEREDITARY MOTOR, HARDING TYPE VIIA; HARPER-YOUNG MYOPATHY. Identifiers: Orphanet 139589, MedGen C1834703, MONDO:0008024, OMIM 158580.
Congenital myasthenic syndrome 20. Also called: Myasthenic syndrome, congenital, 20, presynaptic. Identifiers: MedGen C4310694, MONDO:0014939, OMIM 617143.

gnomAD v4.1: 4 of 1,613,972 alleles (0.00025%); highest among the groups gnomAD compares: South Asian, 0.0044%; no homozygotes.

Submission:

Labcorp Genetics (formerly Invitae), Labcorp
Classification: Uncertain significance for Neuronopathy, distal hereditary motor, type 7A; Congenital myasthenic syndrome 20. Last evaluated: 2020-11-06. Review status: criteria provided, single submitter. Criteria: Invitae Variant Classification Sherloc (09022015). Collection method: clinical testing. Allele origin: germline.
Comment: In summary, the available evidence is currently insufficient to determine the role of this variant in disease. Therefore, it has been classified as a Variant of Uncertain Significance. Algorithms developed to predict the effect of missense changes on protein structure and function (SIFT, PolyPhen-2, Align-GVGD) all suggest that this variant is likely to be tolerated, but these predictions have not been confirmed by published functional studies and their clinical significance is uncertain. This variant has not been reported in the literature in individuals with SLC5A7-related conditions. This variant is not present in population databases (ExAC no frequency). This sequence change replaces leucine with valine at codon 16 of the SLC5A7 protein (p.Leu16Val). The leucine residue is moderately conserved and there is a small physicochemical difference between leucine and valine.

NM_021815.5(SLC5A7):c.46C>G (p.Leu16Val)

Gene: SLC5A7 (solute carrier family 5 member 7; plus strand). Cytogenetic location: 2q12.3.
Variant type: single nucleotide variant.
Coding change: c.46C>G on transcript NM_021815.5 (MANE Select); coding-DNA position 46, C replaced by G.
Protein change: p.Leu16Val; replaces leucine 16 with valine.
Molecular consequence: missense variant. On other transcripts: 5 prime UTR variant (1), intron variant (1).
Genome position (GRCh38, 1-based): chr2:107,988,201, C>G. VCF-style: chr2-107988201-C-G. GRCh37 (hg19) VCF-style: chr2-108604657-C-G.
Other names: c.46C>G, p.Leu16Val (NM_001305005.3); c.-659C>G (NM_001305007.3); c.-138+1438C>G (NM_001305006.3); short protein forms L16V.
Identifiers: ClinVar variation 1487409 (VCV001487409.8), dbSNP rs143876748, ClinGen allele CA348019531.